The following is an entry in ClinVar:

NM_001130438.3(SPTAN1):c.3856G>A (p.Gly1286Ser)

Gene: SPTAN1 (spectrin alpha, non-erythrocytic 1; plus strand). Cytogenetic location: 9q34.11.
Variant type: single nucleotide variant.
Coding change: c.3856G>A on transcript NM_001130438.3 (MANE Select); coding-DNA position 3856, G replaced by A.
Protein change: p.Gly1286Ser; replaces glycine 1286 with serine.
Molecular consequence: missense variant.
Genome position (GRCh38, 1-based): chr9:128,605,170, G>A. VCF-style: chr9-128605170-G-A. GRCh37 (hg19) VCF-style: chr9-131367449-G-A.
Other names: c.3796G>A, p.Gly1266Ser (NM_001195532.2, NM_001363765.2); c.3856G>A, p.Gly1286Ser (NM_001363759.2, NM_003127.4); short protein forms G1266S, G1286S.
Identifiers: ClinVar variation 644746 (VCV000644746.13), dbSNP rs769081903, ClinGen allele CA5265050.
Genomic context (GRCh38, chr9:128,605,170, plus strand): 5'-GCCAGTGTCCAGGCCCTGCAACGCAAGCATGAGGGCTTCGAGAGGGACCTTGCGGCTCTC[G>A]GTGACAAGGTGAGAGGACCCAAAGTCATCTTCTGTCTGGCATTTTTGCCCCAGAAAGAGC-3'
Protein context (NP_001123910.1, residues 1276-1296): EGFERDLAAL[Gly1286Ser]DKVNSLGETA

ClinVar aggregate classification (germline): Uncertain significance. Review status: criteria provided, multiple submitters, no conflicts (2 of 4 stars). 2 submissions from 2 submitters: Uncertain significance (2). Last evaluated 2026-04-01.

Conditions:
Early-infantile DEE. Also called: Early infantile epileptic encephalopathy; Early infantile epileptic encephalopathy with suppression bursts; Ohtahara syndrome. Identifiers: Orphanet 1934, MedGen C0393706, MONDO:0800491.

Allele frequency attached by ClinVar (database versions not stated): gnomAD exomes below 0.00001 and 0.00001; ExAC 0.00001.
gnomAD v4.1: 7 of 1,613,974 alleles (0.00043%); highest among the groups gnomAD compares: Non-Finnish European, 0.00051%; no homozygotes.

Submissions (2):

CeGaT Center for Human Genetics Tuebingen
Classification: Uncertain significance. Last evaluated: 2026-04-01. Review status: criteria provided, single submitter. Criteria: CeGaT Center For Human Genetics Tuebingen Variant Classification Criteria Version 2. Collection method: clinical testing. Allele origin: germline. Affected: yes. Observed: 1 variant allele.
Comment: SPTAN1: PM2:Supporting

Labcorp Genetics (formerly Invitae), Labcorp
Classification: Uncertain significance for Early-infantile DEE. Last evaluated: 2024-08-02. Review status: criteria provided, single submitter. Criteria: Invitae Variant Classification Sherloc (09022015). Collection method: clinical testing. Allele origin: germline.
Comment: This sequence change replaces glycine, which is neutral and non-polar, with serine, which is neutral and polar, at codon 1286 of the SPTAN1 protein (p.Gly1286Ser). This variant is present in population databases (rs769081903, gnomAD 0.002%). This variant has not been reported in the literature in individuals affected with SPTAN1-related conditions. ClinVar contains an entry for this variant (Variation ID: 644746). Advanced modeling of protein sequence and biophysical properties (such as structural, functional, and spatial information, amino acid conservation, physicochemical variation, residue mobility, and thermodynamic stability) has been performed at Invitae for this missense variant, however the output from this modeling did not meet the statistical confidence thresholds required to predict the impact of this variant on SPTAN1 protein function. In summary, the available evidence is currently insufficient to determine the role of this variant in disease. Therefore, it has been classified as a Variant of Uncertain Significance.